The following is an entry in ClinVar:

NM_021956.5(GRIK2):c.1114A>T (p.Thr372Ser)

Gene: GRIK2 (glutamate ionotropic receptor kainate type subunit 2; plus strand). Cytogenetic location: 6q16.3.
Variant type: single nucleotide variant.
Coding change: c.1114A>T on transcript NM_021956.5 (MANE Select); coding-DNA position 1114, A replaced by T.
Protein change: p.Thr372Ser; replaces threonine 372 with serine.
Molecular consequence: missense variant.
Genome position (GRCh38, 1-based): chr6:101,802,349, A>T. VCF-style: chr6-101802349-A-T. GRCh37 (hg19) VCF-style: chr6-102250224-A-T.
Other names: c.1114A>T, p.Thr372Ser (NM_001166247.1, NM_175768.3); short protein forms T372S.
Identifiers: ClinVar variation 1801113 (VCV001801113.1), dbSNP rs2484073816, ClinGen allele CA365306031.

ClinVar aggregate classification (germline): Uncertain significance (1 of 4 stars; one submission).

Submission:

GeneDx
Classification: Uncertain significance. Last evaluated: 2022-05-25. Review status: criteria provided, single submitter. Criteria: GeneDx Variant Classification Process June 2021. Collection method: clinical testing. Allele origin: germline. Affected: yes.
Comment: Not observed at significant frequency in large population cohorts (gnomAD); In silico analysis supports that this missense variant has a deleterious effect on protein structure/function; Has not been previously published as pathogenic or benign to our knowledge